The following is an entry in ClinVar:

ClinVar aggregate classification (germline): Uncertain significance (1 of 4 stars; one submission).

Submission:

Labcorp Genetics (formerly Invitae), Labcorp
Classification: Uncertain significance. Last evaluated: 2023-03-16. Review status: criteria provided, single submitter. Criteria: Invitae Variant Classification Sherloc (09022015). Collection method: clinical testing. Allele origin: germline.
Comment: In summary, the available evidence is currently insufficient to determine the role of this variant in disease. Therefore, it has been classified as a Variant of Uncertain Significance. An algorithm developed to predict the effect of missense changes on protein structure and function (PolyPhen-2) suggests that this variant is likely to be disruptive. This variant has not been reported in the literature in individuals affected with COL4A1-related conditions. This variant is not present in population databases (gnomAD no frequency). This sequence change replaces arginine, which is basic and polar, with lysine, which is basic and polar, at codon 807 of the COL4A1 protein (p.Arg807Lys).

NM_001845.6(COL4A1):c.2420G>A (p.Arg807Lys)

Gene: COL4A1 (collagen type IV alpha 1 chain; minus strand). Cytogenetic location: 13q34.
Variant type: single nucleotide variant.
Coding change: c.2420G>A on transcript NM_001845.6 (MANE Select); coding-DNA position 2420, G replaced by A.
Protein change: p.Arg807Lys; replaces arginine 807 with lysine.
Molecular consequence: missense variant.
Genome position (GRCh38, 1-based): chr13:110,178,961, C>T on the plus strand (G>A on the coding strand, the complement: COL4A1 is on the minus strand). VCF-style: chr13-110178961-C-T. GRCh37 (hg19) VCF-style: chr13-110831308-C-T.
Other names: short protein forms R807K.
Identifiers: ClinVar variation 2843448 (VCV002843448.3), dbSNP rs2501782274, ClinGen allele CA388668369.